The following is an entry in ClinVar:

ClinVar aggregate classification (germline): Uncertain significance (1 of 4 stars; one submission).

Submission:

Labcorp Genetics (formerly Invitae), Labcorp
Classification: Uncertain significance. Last evaluated: 2024-09-06. Review status: criteria provided, single submitter. Criteria: Invitae Variant Classification Sherloc (09022015). Collection method: clinical testing. Allele origin: germline.
Comment: This sequence change replaces glutamine, which is neutral and polar, with proline, which is neutral and non-polar, at codon 681 of the ATRIP protein (p.Gln681Pro). This variant is not present in population databases (gnomAD no frequency). This variant has not been reported in the literature in individuals affected with ATRIP-related conditions. An algorithm developed to predict the effect of missense changes on protein structure and function (PolyPhen-2) suggests that this variant is likely to be disruptive. In summary, the available evidence is currently insufficient to determine the role of this variant in disease. Therefore, it has been classified as a Variant of Uncertain Significance.

NM_130384.3(ATRIP):c.2042A>C (p.Gln681Pro)

Genes: ATRIP (ATR interacting protein; plus strand), ATRIP-TREX1 (ATRIP-TREX1 readthrough; plus strand). Cytogenetic location: 3p21.31.
Variant type: single nucleotide variant.
Coding change: c.2042A>C on transcript NM_130384.3 (MANE Select); coding-DNA position 2042, A replaced by C.
Protein change: p.Gln681Pro; replaces glutamine 681 with proline.
Molecular consequence: missense variant. On other transcripts: non-coding transcript variant (1), intron variant (1).
Genome position (GRCh38, 1-based): chr3:48,464,649, A>C. VCF-style: chr3-48464649-A-C. GRCh37 (hg19) VCF-style: chr3-48506048-A-C.
Other names: c.1661A>C, p.Gln554Pro (NM_001271022.2); c.1763A>C, p.Gln588Pro (NM_001271023.2); c.1975-182A>C (NM_032166.4); short protein forms Q681P, Q588P, Q554P.
Identifiers: ClinVar variation 3671081 (VCV003671081.2).